The following is an entry in ClinVar:

ClinVar aggregate classification (germline): Uncertain significance (1 of 4 stars; one submission).

Conditions:
Early-infantile DEE. Also called: Early infantile epileptic encephalopathy; Ohtahara syndrome; Early infantile epileptic encephalopathy with suppression bursts. Identifiers: Orphanet 1934, MedGen C0393706, MONDO:0800491.

Submission:

Labcorp Genetics (formerly Invitae), Labcorp
Classification: Uncertain significance for Early-infantile DEE. Last evaluated: 2024-04-10. Review status: criteria provided, single submitter. Criteria: Invitae Variant Classification Sherloc (09022015). Collection method: clinical testing. Allele origin: germline.
Comment: This sequence change replaces cysteine, which is neutral and slightly polar, with tryptophan, which is neutral and slightly polar, at codon 225 of the GNAO1 protein (p.Cys225Trp). This variant is not present in population databases (gnomAD no frequency). This variant has not been reported in the literature in individuals affected with GNAO1-related conditions. Advanced modeling of protein sequence and biophysical properties (such as structural, functional, and spatial information, amino acid conservation, physicochemical variation, residue mobility, and thermodynamic stability) performed at Invitae indicates that this missense variant is expected to disrupt GNAO1 protein function with a positive predictive value of 95%. In summary, the available evidence is currently insufficient to determine the role of this variant in disease. Therefore, it has been classified as a Variant of Uncertain Significance.

NM_020988.3(GNAO1):c.675T>G (p.Cys225Trp)

Gene: GNAO1 (G protein subunit alpha o1; plus strand). Cytogenetic location: 16q13.
Variant type: single nucleotide variant.
Coding change: c.675T>G on transcript NM_020988.3 (MANE Select); coding-DNA position 675, T replaced by G.
Protein change: p.Cys225Trp; replaces cysteine 225 with tryptophan.
Molecular consequence: missense variant.
Genome position (GRCh38, 1-based): chr16:56,336,812, T>G. VCF-style: chr16-56336812-T-G. GRCh37 (hg19) VCF-style: chr16-56370724-T-G.
Other names: c.675T>G, p.Cys225Trp (NM_138736.3); short protein forms C225W.
Identifiers: ClinVar variation 3649465 (VCV003649465.2).